The following is an entry in ClinVar:

ClinVar aggregate classification (germline): Uncertain significance (1 of 4 stars; one submission).

Conditions:
PEX6-related disorder. Also called: PEX6-related disorders; PEX6-related condition.

Submission:

PreventionGenetics, part of Exact Sciences
Classification: Uncertain significance for PEX6-related condition. Last evaluated: 2023-09-13. Review status: criteria provided, single submitter. Criteria: ACMG Guidelines, 2015. Collection method: clinical testing. Allele origin: germline.
Comment: The PEX6 c.2472G>C variant is predicted to result in the amino acid substitution p.Arg824Ser. To our knowledge, this variant has not been reported in the literature or in a large population database, indicating this variant is rare. At this time, the clinical significance of this variant is uncertain due to the absence of conclusive functional and genetic evidence.

NM_000287.4(PEX6):c.2472G>C (p.Arg824Ser)

Gene: PEX6 (peroxisomal biogenesis factor 6; minus strand). Cytogenetic location: 6p21.1.
Variant type: single nucleotide variant.
Coding change: c.2472G>C on transcript NM_000287.4 (MANE Select); coding-DNA position 2472, G replaced by C.
Protein change: p.Arg824Ser; replaces arginine 824 with serine.
Molecular consequence: missense variant. On other transcripts: non-coding transcript variant (1).
Genome position (GRCh38, 1-based): chr6:42,965,368, C>G on the plus strand (G>C on the coding strand, the complement: PEX6 is on the minus strand). VCF-style: chr6-42965368-C-G. GRCh37 (hg19) VCF-style: chr6-42933106-C-G.
Other names: c.2208G>C, p.Arg736Ser (NM_001316313.2); short protein forms R736S, R824S.
Identifiers: ClinVar variation 2636106 (VCV002636106.1), dbSNP rs1159409456, ClinGen allele CA364151243.